The following is an entry in ClinVar:

NM_014423.4(AFF4):c.3128C>T (p.Ser1043Leu)

Gene: AFF4 (ALF transcription elongation factor 4; minus strand). Cytogenetic location: 5q31.1.
Variant type: single nucleotide variant.
Coding change: c.3128C>T on transcript NM_014423.4 (MANE Select); coding-DNA position 3128, C replaced by T.
Protein change: p.Ser1043Leu; replaces serine 1043 with leucine.
Molecular consequence: missense variant.
Genome position (GRCh38, 1-based): chr5:132,885,091, G>A on the plus strand (C>T on the coding strand, the complement: AFF4 is on the minus strand). VCF-style: chr5-132885091-G-A. GRCh37 (hg19) VCF-style: chr5-132220783-G-A.
Other names: c.3128C>T (NM_014423.3); short protein forms S1043L.
Identifiers: ClinVar variation 2198810 (VCV002198810.5), dbSNP rs202001642, ClinGen allele CA3408733.

ClinVar aggregate classification (germline): Uncertain significance. Review status: criteria provided, multiple submitters, no conflicts (2 of 4 stars). 2 submissions from 2 submitters: Uncertain significance (2). Last evaluated 2026-03-09.

Conditions:
Cognitive impairment - coarse facies - heart defects - obesity - pulmonary involvement - short stature - skeletal dysplasia syndrome. Also called: COGNITIVE IMPAIRMENT, COARSE FACIES, HEART DEFECTS, OBESITY, PULMONARY INVOLVEMENT, SHORT STATURE, AND SKELETAL DYSPLASIA; Chops syndrome; AFF4-Related CHOPS Syndrome. Identifiers: Orphanet 444077, MedGen C4085597, MONDO:0014609, OMIM 616368.
AFF4-related disorder. Also called: AFF4-related condition.

Allele frequency attached by ClinVar (database versions not stated): gnomAD exomes 0.00001; ExAC 0.00002; gnomAD 0.00003; 1000 Genomes Project 0.00020; 1000 Genomes Project 30x 0.00031.
gnomAD v4.1: 17 of 1,595,746 alleles (0.0011%); highest among the groups gnomAD compares: Non-Finnish European, 0.0013%; no homozygotes.

Submissions (2):

PreventionGenetics, part of Exact Sciences
Classification: Uncertain significance for AFF4-related condition. Last evaluated: 2026-03-09. Review status: criteria provided, single submitter. Criteria: ACMG Guidelines, 2015. Collection method: clinical testing. Allele origin: germline.
Comment: The AFF4 c.3128C>T variant is predicted to result in the amino acid substitution p.Ser1043Leu. To our knowledge, this variant has not been reported in the literature. This variant is reported in 0.0057% of alleles in individuals of East Asian descent in gnomAD. At this time, the clinical significance of this variant is uncertain due to the absence of conclusive functional and genetic evidence.

Labcorp Genetics (formerly Invitae), Labcorp
Classification: Uncertain significance for Cognitive impairment - coarse facies - heart defects - obesity - pulmonary involvement - short stature - skeletal dysplasia syndrome. Last evaluated: 2025-11-12. Review status: criteria provided, single submitter. Criteria: Invitae Variant Classification Sherloc (09022015). Collection method: clinical testing. Allele origin: germline.
Comment: This sequence change replaces serine, which is neutral and polar, with leucine, which is neutral and non-polar, at codon 1043 of the AFF4 protein (p.Ser1043Leu). This variant is present in population databases (rs202001642, gnomAD 0.006%). This variant has not been reported in the literature in individuals affected with AFF4-related conditions. ClinVar contains an entry for this variant (Variation ID: 2198810). Invitae Evidence Modeling of protein sequence and biophysical properties (such as structural, functional, and spatial information, amino acid conservation, physicochemical variation, residue mobility, and thermodynamic stability) indicates that this missense variant is expected to disrupt AFF4 protein function with a positive predictive value of 80%. In summary, the available evidence is currently insufficient to determine the role of this variant in disease. Therefore, it has been classified as a Variant of Uncertain Significance.